The following is an entry in ClinVar:

NM_004665.6(VNN2):c.615G>T (p.Arg205Ser)

Gene: VNN2 (vanin 2; minus strand). Cytogenetic location: 6q23.2.
Variant type: single nucleotide variant.
Coding change: c.615G>T on transcript NM_004665.6 (MANE Select); coding-DNA position 615, G replaced by T.
Protein change: p.Arg205Ser; replaces arginine 205 with serine.
Molecular consequence: missense variant. On other transcripts: non-coding transcript variant (1), intron variant (1).
Genome position (GRCh38, 1-based): chr6:132,752,672, C>A on the plus strand (G>T on the coding strand, the complement: VNN2 is on the minus strand). VCF-style: chr6-132752672-C-A. GRCh37 (hg19) VCF-style: chr6-133073811-C-A.
Other names: c.456G>T, p.Arg152Ser (NM_078488.3); c.538-2807G>T (NM_001242350.3); short protein forms R152S, R205S.
Identifiers: ClinVar variation 2656918 (VCV002656918.24), dbSNP rs34492437, ClinGen allele CA4006616.
Genomic context (GRCh38, chr6:132,752,672, plus strand): 5'-TTTCACCAGGGTAACACCAGGATCATAGAAGAATATATCAAAGCACGTGAAAATGCCAAA[C>A]CTTCCAAATGCGGTGTTGAAAGTCACCAACTCCGGCTTTTCAGGGACATTAAACTGAGGC-3'
Protein context (NP_004656.3, residues 195-215): ELVTFNTAFG[Arg205Ser]FGIFTCFDIF

ClinVar aggregate classification (germline): Likely benign (1 of 4 stars; one submission).

Allele frequency attached by ClinVar (database versions not stated): 1000 Genomes Project 0.00319; 1000 Genomes Project 30x 0.00344; TOPMed 0.00622; ExAC 0.00687; gnomAD 0.00700; gnomAD exomes 0.00708; ESP Exome Variant Server 0.00730.
gnomAD v4.1: 11,445 of 1,614,104 alleles (0.71%); highest among the groups gnomAD compares: Middle Eastern, 1.9%; 77 homozygotes.

Submission:

CeGaT Center for Human Genetics Tuebingen
Classification: Likely benign. Last evaluated: 2023-01-01. Review status: criteria provided, single submitter. Criteria: CeGaT Center For Human Genetics Tuebingen Variant Classification Criteria Version 2. Collection method: clinical testing. Allele origin: germline. Affected: yes. Observed: 2 variant alleles.
Comment: VNN2: BP4, BS2